The following is an entry in ClinVar:

NM_004530.6(MMP2):c.762T>C (p.Asp254=)

Gene: MMP2 (matrix metallopeptidase 2; plus strand). Cytogenetic location: 16q12.2.
Variant type: single nucleotide variant.
Coding change: c.762T>C on transcript NM_004530.6 (MANE Select); coding-DNA position 762, T replaced by C.
Protein change: p.Asp254=; no amino-acid change (aspartic acid 254 retained).
Molecular consequence: synonymous variant.
Genome position (GRCh38, 1-based): chr16:55,485,707, T>C. VCF-style: chr16-55485707-T-C. GRCh37 (hg19) VCF-style: chr16-55519619-T-C.
Other names: c.612T>C, p.Asp204= (NM_001127891.3); c.534T>C, p.Asp178= (NM_001302508.1, NM_001302509.2, NM_001302510.2).
Identifiers: ClinVar variation 2646536 (VCV002646536.24), dbSNP rs529871896, ClinGen allele CA8060190.

ClinVar aggregate classification (germline): Likely benign (1 of 4 stars; one submission).

Allele frequency attached by ClinVar (database versions not stated): gnomAD exomes below 0.00001; TOPMed below 0.00001; 1000 Genomes Project 30x 0.00016; 1000 Genomes Project 0.00020; ExAC 0.00001; gnomAD 0.00001.
gnomAD v4.1: 4 of 1,614,154 alleles (0.00025%); highest among the groups gnomAD compares: South Asian, 0.0022%; no homozygotes.

Submission:

CeGaT Center for Human Genetics Tuebingen
Classification: Likely benign. Last evaluated: 2022-08-01. Review status: criteria provided, single submitter. Criteria: CeGaT Center For Human Genetics Tuebingen Variant Classification Criteria Version 2. Collection method: clinical testing. Allele origin: germline. Affected: yes. Observed: 1 variant allele.
Comment: MMP2: BP4, BP7